The following is an entry in ClinVar:

ClinVar aggregate classification (germline): Uncertain significance (1 of 4 stars; one submission).

Conditions:
Short stature and advanced bone age, with or without early-onset osteoarthritis and/or osteochondritis dissecans (SSOAOD). Identifiers: Orphanet 251262, MedGen C3665488, MONDO:0100462, OMIM 165800.

Submission:

Institute of Human Genetics, University of Leipzig Medical Center
Classification: Uncertain significance for Short stature and advanced bone age, with or without early-onset osteoarthritis and/or osteochondritis dissecans. Last evaluated: 2024-10-17. Review status: criteria provided, single submitter. Criteria: ACMG Guidelines, 2015. Collection method: clinical testing. Allele origin: unknown. Inheritance: Autosomal dominant inheritance. Affected: yes.
Comment: Criteria applied: PM2,PM4

NM_001369268.1(ACAN):c.1496_1531dup (p.Pro510_Glu511insAlaCysLeuArgThrGlyAlaValIleAlaSerPro)

Gene: ACAN (aggrecan; plus strand). Cytogenetic location: 15q26.1.
Variant type: Duplication.
Coding change: c.1496_1531dup on transcript NM_001369268.1 (MANE Select); coding-DNA positions 1496 to 1531, 36 bases duplicated.
Protein change: p.Pro510_Glu511insAlaCysLeuArgThrGlyAlaValIleAlaSerPro.
Genome position (GRCh38, 1-based): chr15:88,847,309-88,847,344, 36 bases duplicated; duplicating any 36 consecutive bases within chr15:88,847,307-88,847,344 gives the same sequence; the c. name uses the placement nearest the transcript's 3' end. GRCh37 (hg19): chr15:89,390,540-89,390,575.
Other names: c.1496_1531dup, p.Pro510_Glu511insAlaCysLeuArgThrGlyAlaValIleAlaSerPro (NM_001135.4, NM_001411096.1, NM_001411097.1 and 1 more transcripts).
Identifiers: ClinVar variation 3376138 (VCV003376138.3).